The following is an entry in ClinVar:

ClinVar aggregate classification (germline): Benign. Review status: criteria provided, single submitter (1 of 4 stars). 2 submissions from 2 submitters: Benign (1). 1 of the submissions does not count toward it. Last evaluated 2025-11-24.

Conditions:
FAT4-related disorder. Also called: FAT4-related condition.

Allele frequency attached by ClinVar (database versions not stated): gnomAD 0.00003; gnomAD exomes 0.00003; ESP Exome Variant Server 0.00008; TOPMed 0.00008; ExAC 0.00026.
gnomAD v4.1: 52 of 1,614,072 alleles (0.0032%); highest among the groups gnomAD compares: East Asian, 0.1%; no homozygotes.

Submissions (2):

Labcorp Genetics (formerly Invitae), Labcorp
Classification: Benign. Last evaluated: 2025-11-24. Review status: criteria provided, single submitter. Criteria: Invitae Variant Classification Sherloc (09022015). Collection method: clinical testing. Allele origin: germline.

PreventionGenetics, part of Exact Sciences
Classification: Likely benign for FAT4-related condition. Last evaluated: 2022-04-29. Review status: no assertion criteria provided. Collection method: clinical testing. Allele origin: germline. Not counted in ClinVar's aggregate classification.
Comment: This variant is classified as likely benign based on ACMG/AMP sequence variant interpretation guidelines (Richards et al. 2015 PMID: 25741868, with internal and published modifications).

NM_001291303.3(FAT4):c.2574G>A (p.Glu858=)

Gene: FAT4 (FAT atypical cadherin 4; plus strand). Cytogenetic location: 4q28.1.
Variant type: single nucleotide variant.
Coding change: c.2574G>A on transcript NM_001291303.3 (MANE Select); coding-DNA position 2574, G replaced by A.
Protein change: p.Glu858=; no amino-acid change (glutamic acid 858 retained).
Molecular consequence: synonymous variant.
Genome position (GRCh38, 1-based): chr4:125,318,985, G>A. VCF-style: chr4-125318985-G-A. GRCh37 (hg19) VCF-style: chr4-126240140-G-A.
Other names: c.2574G>A (NM_024582.4); c.2574G>A, p.Glu858= (NM_001291285.3, NM_024582.6).
Identifiers: ClinVar variation 1986317 (VCV001986317.6), dbSNP rs371041455, ClinGen allele CA3072183.